The following is an entry in ClinVar:

NM_001018113.3(FANCB):c.101A>T (p.Asp34Val)

Gene: FANCB (FA complementation group B; minus strand). Cytogenetic location: Xp22.2.
Variant type: single nucleotide variant.
Coding change: c.101A>T on transcript NM_001018113.3 (MANE Select); coding-DNA position 101, A replaced by T.
Protein change: p.Asp34Val; replaces aspartic acid 34 with valine.
Molecular consequence: missense variant. On other transcripts: non-coding transcript variant (1).
Genome position (GRCh38, 1-based): chrX:14,865,410, T>A on the plus strand (A>T on the coding strand, the complement: FANCB is on the minus strand). VCF-style: chrX-14865410-T-A. GRCh37 (hg19) VCF-style: chrX-14883532-T-A.
Other names: c.101A>T, p.Asp34Val (NM_001324162.2, NM_152633.4); short protein forms D34V.
Identifiers: ClinVar variation 1306342 (VCV001306342.16), dbSNP rs1209013786, ClinGen allele CA412445283.
Genomic context (GRCh38, chrX:14,865,410, plus strand): 5'-GTTCCTCTGTCAAATACCATTCTTCTGACATGTAATATGGGTGTTTTTGTAGGCTCTTTA[T>A]CTGCAAAATTTCCTTTAGACAACTGGAAAACAAGGACTTCCCCATTATAACACAAGAGCC-3'
Protein context (NP_001018123.1, residues 24-44): VFQLSKGNFA[Asp34Val]KEPTKTPILH

ClinVar aggregate classification (germline): Conflicting classifications of pathogenicity. Review status: criteria provided, conflicting classifications (1 of 4 stars). 3 submissions from 3 submitters: Uncertain significance (2); Likely benign (1). Last evaluated 2026-01-21.

Conditions:
Inborn genetic diseases. Identifiers: MedGen C0950123, MeSH D030342.

Allele frequency attached by ClinVar (database versions not stated): TOPMed 0.00002; gnomAD 0.00003.
gnomAD v4.1: 3 of 1,206,920 alleles (0.00025%); highest among the groups gnomAD compares: African/African-American, 0.0017%; no homozygotes.

Submissions (3):

Ambry Genetics
Classification: Uncertain significance for Inborn genetic diseases. Last evaluated: 2026-01-21. Review status: criteria provided, single submitter. Criteria: Ambry Variant Classification Scheme 2023. Collection method: clinical testing. Allele origin: germline.

CeGaT Center for Human Genetics Tuebingen
Classification: Likely benign. Last evaluated: 2024-12-01. Review status: criteria provided, single submitter. Criteria: CeGaT Center For Human Genetics Tuebingen Variant Classification Criteria Version 2. Collection method: clinical testing. Allele origin: germline. Affected: yes. Observed: 1 variant allele.
Comment: FANCB: BP4, BS2

GeneDx
Classification: Uncertain significance. Last evaluated: 2019-05-31. Review status: criteria provided, single submitter. Criteria: GeneDx Variant Classification Process June 2021. Collection method: clinical testing. Allele origin: germline. Affected: yes.
Comment: Not observed in large population cohorts (Lek et al., 2016); In silico analysis, which includes protein predictors and evolutionary conservation, supports a deleterious effect; Has not been previously published as pathogenic or benign to our knowledge